The following is an entry in ClinVar:

NM_006070.6(TFG):c.1060C>G (p.Pro354Ala)

Gene: TFG (trafficking from ER to golgi regulator; plus strand). Cytogenetic location: 3q12.2.
Variant type: single nucleotide variant.
Coding change: c.1060C>G on transcript NM_006070.6 (MANE Select); coding-DNA position 1060, C replaced by G.
Protein change: p.Pro354Ala; replaces proline 354 with alanine.
Molecular consequence: missense variant.
Genome position (GRCh38, 1-based): chr3:100,748,388, C>G. VCF-style: chr3-100748388-C-G. GRCh37 (hg19) VCF-style: chr3-100467232-C-G.
Other names: p.Pro354Ala; c.1060C>G, p.Pro354Ala (NM_001007565.2, NM_001195478.2); c.1048C>G, p.Pro350Ala (NM_001195479.2); short protein forms P354A, P350A.
Identifiers: ClinVar variation 245772 (VCV000245772.66), dbSNP rs111356679, ClinGen allele CA2517248.

ClinVar aggregate classification (germline): Conflicting classifications of pathogenicity. Review status: criteria provided, conflicting classifications (1 of 4 stars). 9 submissions from 9 submitters: Uncertain significance (1); Benign (1); Likely benign (7). Last evaluated 2026-04-03.

Conditions:
TFG-related disorder. Also called: TFG-related condition; TFG-related disorders.
Inborn genetic diseases. Identifiers: MedGen C0950123, MeSH D030342.
Hereditary spastic paraplegia 57. Also called: Spastic paraplegia 57, autosomal recessive. Identifiers: Orphanet 431329, MedGen C3714897, MONDO:0014295, OMIM 615658.
Hereditary motor and sensory neuropathy, Okinawa type (HMSNO). Also called: HEREDITARY MOTOR AND SENSORY NEUROPATHY, PROXIMAL TYPE. Identifiers: Orphanet 90117, MedGen C1858338, MONDO:0011468, OMIM 604484.

Allele frequency attached by ClinVar (database versions not stated): 1000 Genomes Project 30x 0.00031; 1000 Genomes Project 0.00040; gnomAD 0.00119; gnomAD exomes 0.00123; TOPMed 0.00125; ExAC 0.00134; ESP Exome Variant Server 0.00146.
gnomAD v4.1: 2,110 of 1,614,138 alleles (0.13%); highest among the groups gnomAD compares: Middle Eastern, 0.96%; 9 homozygotes.

Submissions (9):

Women's Health and Genetics/Laboratory Corporation of America, LabCorp
Classification: Likely benign. Last evaluated: 2026-04-03. Review status: criteria provided, single submitter. Criteria: LabCorp Variant Classification Summary - May 2015. Collection method: clinical testing. Allele origin: germline.
Comment: Variant summary: TFG c.1060C>G (p.Pro354Ala) results in a non-conservative amino acid change in the encoded protein sequence. Algorithms developed to predict the effect of missense changes on protein structure and function are either unavailable or do not agree on the potential impact of this missense change. The variant allele was found at a frequency of 0.0013 in 1614138 control chromosomes in the gnomAD database, including 9 homozygotes. c.1060C>G has been observed in individuals affected with Parkinson's disease but was also found in several controls (e.g. Li_2022). These report(s) do not provide unequivocal conclusions about association of the variant with TFG-Related Disorders. To our knowledge, no experimental evidence demonstrating an impact on protein function has been reported. The following publication have been ascertained in the context of this evaluation (PMID: 35642252). ClinVar contains an entry for this variant (Variation ID: 245772). Based on the evidence outlined above, the variant was classified as likely benign.

CeGaT Center for Human Genetics Tuebingen
Classification: Likely benign. Last evaluated: 2026-03-01. Review status: criteria provided, single submitter. Criteria: CeGaT Center For Human Genetics Tuebingen Variant Classification Criteria Version 2. Collection method: clinical testing. Allele origin: germline. Affected: yes. Observed: 5 variant alleles.
Comment: TFG: BP4, BS2

Labcorp Genetics (formerly Invitae), Labcorp
Classification: Likely benign for Hereditary motor and sensory neuropathy, Okinawa type; Hereditary spastic paraplegia 57. Last evaluated: 2026-02-01. Review status: criteria provided, single submitter. Criteria: Invitae Variant Classification Sherloc (09022015). Collection method: clinical testing. Allele origin: germline.

PreventionGenetics, part of Exact Sciences
Classification: Likely benign for TFG-related condition. Last evaluated: 2026-01-28. Review status: criteria provided, single submitter. Criteria: ACMG Guidelines, 2015. Collection method: clinical testing. Allele origin: germline.
Comment: This variant is classified as likely benign based on ACMG/AMP sequence variant interpretation guidelines (Richards et al. 2015 PMID: 25741868, with internal and published modifications).

Blueprint Genetics
Classification: Likely benign. Last evaluated: 2024-11-04. Review status: criteria provided, single submitter. Criteria: ACMG Guidelines, 2015. Collection method: clinical testing. Allele origin: germline.

Mayo Clinic Laboratories, Mayo Clinic
Classification: Benign. Last evaluated: 2024-03-15. Review status: criteria provided, single submitter. Criteria: ACMG Guidelines, 2015. Collection method: clinical testing. Allele origin: germline. Observed: 9 variant alleles.
Comment: BS1, BS2, BP4

GeneDx
Classification: Likely benign. Last evaluated: 2020-09-30. Review status: criteria provided, single submitter. Criteria: GeneDx Variant Classification Process June 2021. Collection method: clinical testing. Allele origin: germline. Affected: yes.

Ambry Genetics
Classification: Likely benign for Inborn genetic diseases. Last evaluated: 2019-09-18. Review status: criteria provided, single submitter. Criteria: Ambry Variant Classification Scheme 2023. Collection method: clinical testing. Allele origin: germline.

ARUP Laboratories, Molecular Genetics and Genomics, ARUP Laboratories
Classification: Uncertain significance. Last evaluated: 2017-03-11. Review status: criteria provided, single submitter. Criteria: ARUP Molecular Germline Variant Investigation Process. Collection method: clinical testing. Allele origin: germline.

Literature cited by the submitters: PubMed 35642252 (cited by Women's Health and Genetics/Laboratory Corporation of America, LabCorp and Mayo Clinic Laboratories, Mayo Clinic).